The following is an entry in ClinVar:

ClinVar aggregate classification (germline): Uncertain significance. Review status: criteria provided, multiple submitters, no conflicts (2 of 4 stars). 2 submissions from 2 submitters: Uncertain significance (2). Last evaluated 2022-03-09.

Conditions:
Hereditary cancer-predisposing syndrome. Also called: Tumor predisposition; Neoplastic Syndromes, Hereditary; Hereditary Cancer Syndrome; Hereditary neoplastic syndrome. Identifiers: Orphanet 140162, MedGen C0027672, MeSH D009386, MONDO:0015356.
Baller-Gerold syndrome (BGS). Also called: CRANIOSYNOSTOSIS WITH RADIAL DEFECTS. Identifiers: Orphanet 1225, MedGen C0265308, MONDO:0009039, OMIM 218600.

Submissions (2):

Sema4
Classification: Uncertain significance for Hereditary cancer-predisposing syndrome. Last evaluated: 2022-03-09. Review status: criteria provided, single submitter. Criteria: Sema4 Curation Guidelines. Collection method: curation. Allele origin: germline.
Comment: The RECQL4 c.1012C>A (p.P338T) variant has not been reported in the literature to our knowledge. This variant is not reported in the population database Genome Aggregation Database (PMID: 32461654). The variant has been reported in ClinVar (Variation ID: 1062332). In silico tools suggest the impact of the variant on protein function is benign, though these predictions have not been confirmed by functional studies. The evidence is insufficient to meet ACMG/AMP criteria for classifying the variant as benign or pathogenic. Thus, the clinical significance of this variant is currently uncertain.

Labcorp Genetics (formerly Invitae), Labcorp
Classification: Uncertain significance for Baller-Gerold syndrome. Last evaluated: 2020-05-11. Review status: criteria provided, single submitter. Criteria: Invitae Variant Classification Sherloc (09022015). Collection method: clinical testing. Allele origin: germline.
Comment: This sequence change replaces proline with threonine at codon 338 of the RECQL4 protein (p.Pro338Thr). The proline residue is weakly conserved and there is a small physicochemical difference between proline and threonine. This variant is not present in population databases (ExAC no frequency). This variant has not been reported in the literature in individuals with RECQL4-related conditions. Experimental studies and prediction algorithms are not available or were not evaluated, and the functional significance of this variant is currently unknown. In summary, the available evidence is currently insufficient to determine the role of this variant in disease. Therefore, it has been classified as a Variant of Uncertain Significance.

NM_004260.4(RECQL4):c.1012C>A (p.Pro338Thr)

Gene: RECQL4 (RecQ like helicase 4; minus strand). Cytogenetic location: 8q24.3.
Variant type: single nucleotide variant.
Coding change: c.1012C>A on transcript NM_004260.4 (MANE Select); coding-DNA position 1012, C replaced by A.
Protein change: p.Pro338Thr; replaces proline 338 with threonine.
Molecular consequence: missense variant.
Genome position (GRCh38, 1-based): chr8:144,516,107, G>T on the plus strand (C>A on the coding strand, the complement: RECQL4 is on the minus strand). VCF-style: chr8-144516107-G-T. GRCh37 (hg19) VCF-style: chr8-145741491-G-T.
Other names: short protein forms P338T.
Identifiers: ClinVar variation 1062332 (VCV001062332.4), dbSNP rs754299237, ClinGen allele CA372688326.